The following is an entry in ClinVar:

NM_000155.4(GALT):c.773G>A (p.Arg258His)

Gene: GALT (galactose-1-phosphate uridylyltransferase; plus strand). Cytogenetic location: 9p13.3.
Variant type: single nucleotide variant.
Coding change: c.773G>A on transcript NM_000155.4 (MANE Select); coding-DNA position 773, G replaced by A.
Protein change: p.Arg258His; replaces arginine 258 with histidine.
Molecular consequence: missense variant.
Genome position (GRCh38, 1-based): chr9:34,648,847, G>A. VCF-style: chr9-34648847-G-A. GRCh37 (hg19) VCF-style: chr9-34648844-G-A.
Other names: p.Arg258His; c.446G>A, p.Arg149His (NM_001258332.2); short protein forms R149H, R258H.
Identifiers: ClinVar variation 914056 (VCV000914056.10), dbSNP rs773766027, ClinGen allele CA5036208.

ClinVar aggregate classification (germline): Uncertain significance. Review status: criteria provided, multiple submitters, no conflicts (2 of 4 stars). 4 submissions from 4 submitters: Uncertain significance (3). 1 of the submissions does not count toward it. Last evaluated 2024-01-23.

Conditions:
Galactosemia. Also called: Galactose intolerance. Identifiers: Orphanet 352, MedGen C0016952, MONDO:0018116, HP:0004919. Disease mechanism: loss of function.
Deficiency of UDPglucose-hexose-1-phosphate uridylyltransferase. Also called: GALT deficiency; Galactosemia, classic; GALACTOSEMIA I; Transferase Deficiency Galactosemia; GALACTOSE-1-PHOSPHATE URIDYLYLTRANSFERASE DEFICIENCY. Identifiers: Orphanet 352, Orphanet 79239, MedGen C0268151, MONDO:0009258, OMIM 230400.

Allele frequency attached by ClinVar (database versions not stated): gnomAD 0.00001 and 0.00002; TOPMed 0.00002; gnomAD exomes 0.00003 and 0.00007; ExAC 0.00013.

Submissions (4):

Mayo Clinic Laboratories, Mayo Clinic
Classification: Uncertain significance. Last evaluated: 2024-01-23. Review status: criteria provided, single submitter. Criteria: ACMG Guidelines, 2015. Collection method: clinical testing. Allele origin: germline. Observed: 1 variant allele.
Comment: PP3, PM2_moderate, PM5

Labcorp Genetics (formerly Invitae), Labcorp
Classification: Uncertain significance for Deficiency of UDPglucose-hexose-1-phosphate uridylyltransferase. Last evaluated: 2021-11-30. Review status: criteria provided, single submitter. Criteria: Invitae Variant Classification Sherloc (09022015). Collection method: clinical testing. Allele origin: germline.
Comment: This sequence change replaces arginine, which is basic and polar, with histidine, which is basic and polar, at codon 258 of the GALT protein (p.Arg258His). This variant is present in population databases (rs773766027, gnomAD 0.01%). This variant has not been reported in the literature in individuals affected with GALT-related conditions. ClinVar contains an entry for this variant (Variation ID: 914056). Advanced modeling of protein sequence and biophysical properties (such as structural, functional, and spatial information, amino acid conservation, physicochemical variation, residue mobility, and thermodynamic stability) performed at Invitae indicates that this missense variant is expected to disrupt GALT protein function. In summary, the available evidence is currently insufficient to determine the role of this variant in disease. Therefore, it has been classified as a Variant of Uncertain Significance.

Illumina Laboratory Services, Illumina
Classification: Uncertain significance for Deficiency of UDPglucose-hexose-1-phosphate uridylyltransferase. Last evaluated: 2017-04-27. Review status: criteria provided, single submitter. Criteria: ICSL Variant Classification Criteria 13 December 2019. Collection method: clinical testing. Allele origin: germline.
Comment: This variant was observed as part of a predisposition screen in an ostensibly healthy population. A literature search was performed for the gene, cDNA change, and amino acid change (where applicable). Publications were found based on this search. However, the evidence from the literature, in combination with allele frequency data from public databases where available, was not sufficient to rule this variant in or out of causing disease. Therefore, this variant is classified as a variant of unknown significance.

Natera, Inc.
Classification: Uncertain significance for Galactosemia. Last evaluated: 2020-03-31. Review status: no assertion criteria provided. Collection method: clinical testing. Allele origin: germline. Not counted in ClinVar's aggregate classification.

Literature cited by the submitters: PubMed 23924834 (cited by Illumina Laboratory Services, Illumina).